The following is an entry in ClinVar:

ClinVar aggregate classification (germline): Uncertain significance (1 of 4 stars; one submission).

Conditions:
SEMA3F-related disorder. Also called: SEMA3F-related condition.

Allele frequency attached by ClinVar (database versions not stated): gnomAD 0.00001; ExAC 0.00002; TOPMed 0.00002; gnomAD exomes 0.00006; ESP Exome Variant Server 0.00008.
gnomAD v4.1: 91 of 1,611,320 alleles (0.0056%); highest among the groups gnomAD compares: Non-Finnish European, 0.0076%; no homozygotes.

Submission:

PreventionGenetics, part of Exact Sciences
Classification: Uncertain significance for SEMA3F-related condition. Last evaluated: 2025-05-31. Review status: criteria provided, single submitter. Criteria: ACMG Guidelines, 2015. Collection method: clinical testing. Allele origin: germline.
Comment: The SEMA3F c.643A>G variant is predicted to result in the amino acid substitution p.Asn215Asp. To our knowledge, this variant has not been reported in the literature. This variant is reported in 0.0062% of alleles in individuals of African descent in gnomAD. At this time, the clinical significance of this variant is uncertain due to the absence of conclusive functional and genetic evidence.

NM_004186.5(SEMA3F):c.643A>G (p.Asn215Asp)

Gene: SEMA3F (semaphorin 3F; plus strand). Cytogenetic location: 3p21.31.
Variant type: single nucleotide variant.
Coding change: c.643A>G on transcript NM_004186.5 (MANE Select); coding-DNA position 643, A replaced by G.
Protein change: p.Asn215Asp; replaces asparagine 215 with aspartic acid.
Molecular consequence: missense variant.
Genome position (GRCh38, 1-based): chr3:50,176,861, A>G. VCF-style: chr3-50176861-A-G. GRCh37 (hg19) VCF-style: chr3-50214294-A-G.
Other names: c.346A>G, p.Asn116Asp (NM_001318798.2); c.550A>G, p.Asn184Asp (NM_001318800.2); short protein forms N116D, N184D, N215D.
Identifiers: ClinVar variation 3032592 (VCV003032592.3), dbSNP rs374695737, ClinGen allele CA2411853.